The following is an entry in ClinVar:

NM_014159.7(SETD2):c.1246A>G (p.Asn416Asp)

Gene: SETD2 (SET domain containing 2, histone lysine methyltransferase; minus strand). Cytogenetic location: 3p21.31.
Variant type: single nucleotide variant.
Coding change: c.1246A>G on transcript NM_014159.7 (MANE Select); coding-DNA position 1246, A replaced by G.
Protein change: p.Asn416Asp; replaces asparagine 416 with aspartic acid.
Molecular consequence: missense variant. On other transcripts: non-coding transcript variant (1).
Genome position (GRCh38, 1-based): chr3:47,123,390, T>C on the plus strand (A>G on the coding strand, the complement: SETD2 is on the minus strand). VCF-style: chr3-47123390-T-C. GRCh37 (hg19) VCF-style: chr3-47164880-T-C.
Other names: p.Asn416Asp; c.1114A>G, p.Asn372Asp (NM_001349370.3); short protein forms N372D, N416D.
Identifiers: ClinVar variation 3379463 (VCV003379463.1).

ClinVar aggregate classification (germline): Uncertain significance (1 of 4 stars; one submission).

gnomAD v4.1: 1 of 1,551,704 alleles (0.000064%); highest among the groups gnomAD compares: African/African-American, 0.0014%; no homozygotes.

Submission:

Mayo Clinic Laboratories, Mayo Clinic
Classification: Uncertain significance. Last evaluated: 2023-09-19. Review status: criteria provided, single submitter. Criteria: ACMG Guidelines, 2015. Collection method: clinical testing. Allele origin: germline. Observed: 1 variant allele.
Comment: BP4